The following is an entry in ClinVar:

NM_003613.4(CILP):c.3338T>C (p.Val1113Ala)

Gene: CILP (cartilage intermediate layer protein; minus strand). Cytogenetic location: 15q22.31.
Variant type: single nucleotide variant.
Coding change: c.3338T>C on transcript NM_003613.4 (MANE Select); coding-DNA position 3338, T replaced by C.
Protein change: p.Val1113Ala; replaces valine 1113 with alanine.
Molecular consequence: missense variant.
Genome position (GRCh38, 1-based): chr15:65,196,948, A>G on the plus strand (T>C on the coding strand, the complement: CILP is on the minus strand). VCF-style: chr15-65196948-A-G. GRCh37 (hg19) VCF-style: chr15-65489286-A-G.
Other names: c.3338T>C (NM_003613.3); short protein forms V1113A.
Identifiers: ClinVar variation 1049471 (VCV001049471.2), dbSNP rs779758505, ClinGen allele CA271504437.

ClinVar aggregate classification (germline): Uncertain significance. Review status: criteria provided, single submitter (1 of 4 stars). 2 submissions from 2 submitters: Uncertain significance (1). 1 of the submissions does not count toward it. Last evaluated 2025-05-05.

Allele frequency attached by ClinVar (database versions not stated): gnomAD exomes 0.00001; TOPMed 0.00001; gnomAD 0.00001.
gnomAD v4.1: 14 of 1,613,470 alleles (0.00087%); highest among the groups gnomAD compares: Non-Finnish European, 0.0012%; no homozygotes.

Submissions (2):

Ambry Genetics
Classification: Uncertain significance. Last evaluated: 2025-05-05. Review status: criteria provided, single submitter. Criteria: Ambry Variant Classification Scheme 2023. Collection method: clinical testing. Allele origin: germline.

Department of Pathology and Laboratory Medicine, Sinai Health System
Classification: Uncertain significance. Review status: no assertion criteria provided. Collection method: clinical testing. Allele origin: unknown. Affected: yes. Study: The Canadian Open Genetics Repository (COGR). Not counted in ClinVar's aggregate classification.
Comment: The CILP p.Val1113Ala variant was not identified in the literature nor was it identified in ClinVar, Cosmic or LOVD 3.0. The variant was identified in dbSNP (ID: rs779758505) but was not identified in the following control databases: the 1000 Genomes Project, the NHLBI GO Exome Sequencing Project, the Exome Aggregation Consortium (August 8th 2016), or the Genome Aggregation Database (Feb 27, 2017). The p.Val1113 residue is conserved in mammals and computational analyses (PolyPhen-2, SIFT, AlignGVGD, BLOSUM, MutationTaster) provide inconsistent predictions regarding the impact to the protein; this information is not very predictive of pathogenicity. The variant occurs outside of the splicing consensus sequence and in silico or computational prediction software programs (SpliceSiteFinder, MaxEntScan, NNSPLICE, GeneSplicer) do not predict a difference in splicing. In summary, based on the above information the clinical significance of this variant cannot be determined with certainty at this time. This variant is classified as a variant of uncertain significance.